The following is an entry in ClinVar:

ClinVar aggregate classification (germline): Uncertain significance (1 of 4 stars; one submission).

Submission:

Greenwood Genetic Center Diagnostic Laboratories, Greenwood Genetic Center
Classification: Uncertain significance. Last evaluated: 2023-07-31. Review status: criteria provided, single submitter. Criteria: ACMG Guidelines, 2015. Collection method: clinical testing. Allele origin: germline. Affected: yes.
Comment: PP3

NM_001378414.1(HDAC4):c.2794G>A (p.Val932Met)

Gene: HDAC4 (histone deacetylase 4; minus strand). Cytogenetic location: 2q37.3.
Variant type: single nucleotide variant.
Coding change: c.2794G>A on transcript NM_001378414.1 (MANE Select); coding-DNA position 2794, G replaced by A.
Protein change: p.Val932Met; replaces valine 932 with methionine.
Molecular consequence: missense variant.
Genome position (GRCh38, 1-based): chr2:239,068,564, C>T on the plus strand (G>A on the coding strand, the complement: HDAC4 is on the minus strand). VCF-style: chr2-239068564-C-T. GRCh37 (hg19) VCF-style: chr2-239990260-C-T.
Other names: c.2794G>A, p.Val932Met (NM_001378415.1); c.2779G>A, p.Val927Met (NM_001378416.1, NM_001378417.1, NM_006037.4); short protein forms V927M, V932M.
Identifiers: ClinVar variation 2627012 (VCV002627012.1), dbSNP rs1272371710, ClinGen allele CA351256259.